The following is an entry in ClinVar:

ClinVar aggregate classification (germline): Uncertain significance (1 of 4 stars; one submission).

Conditions:
SOX10-related disorder. Also called: SOX10-related condition.

gnomAD v4.1: 1 of 1,613,616 alleles (0.000062%); highest among the groups gnomAD compares: Admixed American, 0.0017%; no homozygotes.

Submission:

PreventionGenetics, part of Exact Sciences
Classification: Uncertain significance for SOX10-related condition. Last evaluated: 2024-11-03. Review status: criteria provided, single submitter. Criteria: ACMG Guidelines, 2015. Collection method: clinical testing. Allele origin: germline.
Comment: The SOX10 c.1237G>A variant is predicted to result in the amino acid substitution p.Gly413Ser. To our knowledge, this variant has not been reported in the literature or in a large population database (gnomAD), indicating this variant is rare. At this time, the clinical significance of this variant is uncertain due to the absence of conclusive functional and genetic evidence.

NM_006941.4(SOX10):c.1237G>A (p.Gly413Ser)

Genes: POLR2F (RNA polymerase II, I and III subunit F; plus strand), SOX10 (SRY-box transcription factor 10; minus strand). Cytogenetic location: 22q13.1.
Variant type: single nucleotide variant.
Coding change: c.1237G>A on transcript NM_006941.4 (MANE Select); coding-DNA position 1237, G replaced by A.
Protein change: p.Gly413Ser; replaces glycine 413 with serine.
Molecular consequence: missense variant. On other transcripts: intron variant (3).
Genome position (GRCh38, 1-based): chr22:37,973,659, C>T on the plus strand (G>A on the coding strand, the complement: SOX10 is on the minus strand). VCF-style: chr22-37973659-C-T. GRCh37 (hg19) VCF-style: chr22-38369666-C-T.
Other names: c.*38+1349C>T (NM_001363825.1); c.293+6489C>T (NM_001301130.2, NM_001301131.2); short protein forms G413S.
Identifiers: ClinVar variation 4988894 (VCV004988894.1).